The following is an entry in ClinVar:

NM_000352.6(ABCC8):c.1818-6G>A

Gene: ABCC8 (ATP binding cassette subfamily C member 8; minus strand). Cytogenetic location: 11p15.1.
Variant type: single nucleotide variant.
Coding change: c.1818-6G>A on transcript NM_000352.6 (MANE Select); 6 bases into the intron before coding-DNA position 1818, G replaced by A.
Molecular consequence: intron variant.
Genome position (GRCh38, 1-based): chr11:17,428,676, C>T on the plus strand (G>A on the coding strand, the complement: ABCC8 is on the minus strand). VCF-style: chr11-17428676-C-T. GRCh37 (hg19) VCF-style: chr11-17450223-C-T.
Other names: c.1815-6G>A (NM_001351297.2, NM_001351296.2); c.1818-6G>A (NM_001351295.2, NM_001287174.3).
Identifiers: ClinVar variation 704069 (VCV000704069.21), dbSNP rs368708177, ClinGen allele CA5903421.

ClinVar aggregate classification (germline): Conflicting classifications of pathogenicity. Review status: criteria provided, conflicting classifications (1 of 4 stars). 8 submissions from 7 submitters: Uncertain significance (3); Likely benign (4). 1 of the submissions does not count toward it. Last evaluated 2026-01-14.

Conditions:
Maturity-onset diabetes of the young (MODY). Also called: Maturity onset diabetes mellitus in young. Identifiers: Orphanet 552, MedGen C0342276, MONDO:0018911, HP:0004904.
ABCC8-related disorder.
Hereditary hyperinsulinism.
Transitory neonatal diabetes mellitus. Also called: Transient neonatal diabetes mellitus. Identifiers: MedGen C0342273, MONDO:0020525, HP:0008255.

Allele frequency attached by ClinVar (database versions not stated): gnomAD 0.00013; ESP Exome Variant Server 0.00015; TOPMed 0.00020.
gnomAD v4.1: 110 of 1,611,748 alleles (0.0068%); highest among the groups gnomAD compares: Admixed American, 0.02%; no homozygotes.

Submissions (8):

Labcorp Genetics (formerly Invitae), Labcorp
Classification: Likely benign. Last evaluated: 2026-01-14. Review status: criteria provided, single submitter. Criteria: Invitae Variant Classification Sherloc (09022015). Collection method: clinical testing. Allele origin: germline.

PreventionGenetics, part of Exact Sciences
Classification: Likely benign for ABCC8-related condition. Last evaluated: 2024-11-18. Review status: criteria provided, single submitter. Criteria: ACMG Guidelines, 2015. Collection method: clinical testing. Allele origin: germline.
Comment: This variant is classified as likely benign based on ACMG/AMP sequence variant interpretation guidelines (Richards et al. 2015 PMID: 25741868, with internal and published modifications).

Blueprint Genetics
Classification: Likely benign. Last evaluated: 2024-11-06. Review status: criteria provided, single submitter. Criteria: ACMG Guidelines, 2015. Collection method: clinical testing. Allele origin: germline.

GeneDx
Classification: Uncertain significance. Last evaluated: 2023-02-09. Review status: criteria provided, single submitter. Criteria: GeneDx Variant Classification Process June 2021. Collection method: clinical testing. Allele origin: germline. Affected: yes.
Comment: In silico analysis supports a deleterious effect on splicing; Has not been previously published as pathogenic or benign to our knowledge; This variant is associated with the following publications: (PMID: 18025408, 32027066, 16613899, 16885549, 21989597, 27538677, 32792356)

Genetic Services Laboratory, University of Chicago
Classification: Likely benign. Last evaluated: 2020-01-08. Review status: criteria provided, single submitter. Criteria: ACMG Guidelines, 2015. Collection method: clinical testing. Allele origin: germline. Affected: no.

Clinical Genomics, Uppaluri K&H Personalized Medicine Clinic
Classification: Uncertain significance for Maturity-onset diabetes of the young. Review status: criteria provided, single submitter. Criteria: K & H Uppaluri Personalized Medicine Clinic Variant Classification & Assertion Criteria_Updated V.1. Collection method: research. Allele origin: unknown. Inheritance: Somatic mutation.
Comment: Mutations in ABCC8 gene are associated with both neonatal diabetes mellitus as well as MODY. Patients with this mutation may have a better response to sulfonylureas. However, no sufficient evidence is found to ascertain the role of this particular variant (rs368708177) in MODY yet.

Clinical Genomics, Uppaluri K&H Personalized Medicine Clinic
Classification: Uncertain significance for Transitory neonatal diabetes mellitus. Review status: criteria provided, single submitter. Criteria: K & H Uppaluri Personalized Medicine Clinic Variant Classification & Assertion Criteria_Updated V.1. Collection method: research. Allele origin: unknown. Inheritance: Somatic mutation.
Comment: Mutations in ABCC8 gene are associated with both neonatal diabetes mellitus as well as MODY. Patients with this mutation may have a better response to sulfonylureas. However, no sufficient evidence is found to ascertain the role of this particular variant ( rs368708177) in neonatal diabetes yet.

Natera, Inc.
Classification: Uncertain significance for Hereditary hyperinsulinism. Last evaluated: 2020-04-10. Review status: no assertion criteria provided. Collection method: clinical testing. Allele origin: germline. Not counted in ClinVar's aggregate classification.

Literature cited by the submitters: PubMed 16885549 (cited by Clinical Genomics, Uppaluri K&H Personalized Medicine Clinic); PubMed 21989597 (cited by Clinical Genomics, Uppaluri K&H Personalized Medicine Clinic); PubMed 27538677 (cited by Clinical Genomics, Uppaluri K&H Personalized Medicine Clinic); PubMed 18981553 (cited by Clinical Genomics, Uppaluri K&H Personalized Medicine Clinic); PubMed 32027066 (cited by Clinical Genomics, Uppaluri K&H Personalized Medicine Clinic); PubMed 16613899 (cited by Clinical Genomics, Uppaluri K&H Personalized Medicine Clinic); PubMed 18025408 (cited by Clinical Genomics, Uppaluri K&H Personalized Medicine Clinic); PubMed 32792356 (cited by Clinical Genomics, Uppaluri K&H Personalized Medicine Clinic).